The following is an entry in ClinVar:

NM_000218.3(KCNQ1):c.1514+1505C>T

Genes: KCNQ1 (potassium voltage-gated channel subfamily Q member 1; plus strand), KCNQ1OT1 (KCNQ1 opposite strand/antisense transcript 1; minus strand). Cytogenetic location: 11p15.5.
Variant type: single nucleotide variant.
Coding change: c.1514+1505C>T on transcript NM_000218.3 (MANE Select); 1505 bases into the intron after coding-DNA position 1514, C replaced by T.
Molecular consequence: intron variant.
Genome position (GRCh38, 1-based): chr11:2,663,586, C>T. VCF-style: chr11-2663586-C-T. GRCh37 (hg19) VCF-style: chr11-2684816-C-T.
Other names: c.1514+1505C>T (NM_000218.2); c.1244+1505C>T (NM_001406837.1); c.1418+1505C>T (NM_001406836.1); c.974+1505C>T (NM_001406838.1); c.1133+1505C>T (NM_181798.2).
Identifiers: ClinVar variation 2578643 (VCV002578643.26), dbSNP rs561673465, ClinGen allele CA216172490.

ClinVar aggregate classification (germline): Benign/Likely benign. Review status: criteria provided, multiple submitters, no conflicts (2 of 4 stars). 2 submissions from 2 submitters: Benign (1); Likely benign (1). Last evaluated 2026-09-01.

Conditions:
KCNQ1-related disorder. Also called: KCNQ1-related condition; KCNQ1-related disorders. Identifiers: MedGen CN239322.

Allele frequency attached by ClinVar (database versions not stated): 1000 Genomes Project 0.00060; TOPMed 0.00089; gnomAD 0.00092; 1000 Genomes Project 30x 0.00094; gnomAD exomes 0.00132.
gnomAD v4.1: 452 of 398,650 alleles (0.11%); highest among the groups gnomAD compares: Non-Finnish European, 0.18%; 1 homozygote.

Submissions (2):

CeGaT Center for Human Genetics Tuebingen
Classification: Benign. Last evaluated: 2026-09-01. Review status: criteria provided, single submitter. Criteria: CeGaT Center For Human Genetics Tuebingen Variant Classification Criteria Version 2. Collection method: clinical testing. Allele origin: germline. Affected: yes. Observed: 10 variant alleles.
Comment: KCNQ1OT1: BS1, BS2

PreventionGenetics, part of Exact Sciences
Classification: Likely benign for KCNQ1-related condition. Last evaluated: 2025-08-18. Review status: criteria provided, single submitter. Criteria: ACMG Guidelines, 2015. Collection method: clinical testing. Allele origin: germline.
Comment: This variant is classified as likely benign based on ACMG/AMP sequence variant interpretation guidelines (Richards et al. 2015 PMID: 25741868, with internal and published modifications).